The following is an entry in ClinVar:

NM_002485.5(NBN):c.415A>C (p.Thr139Pro)

Gene: NBN (nibrin; minus strand). Cytogenetic location: 8q21.3.
Variant type: single nucleotide variant.
Coding change: c.415A>C on transcript NM_002485.5 (MANE Select); coding-DNA position 415, A replaced by C.
Protein change: p.Thr139Pro; replaces threonine 139 with proline.
Molecular consequence: missense variant.
Genome position (GRCh38, 1-based): chr8:89,980,799, T>G on the plus strand (A>C on the coding strand, the complement: NBN is on the minus strand). VCF-style: chr8-89980799-T-G. GRCh37 (hg19) VCF-style: chr8-90993027-T-G.
Other names: c.169A>C, p.Thr57Pro (NM_001024688.3); short protein forms T139P, T57P.
Identifiers: ClinVar variation 483987 (VCV000483987.5), dbSNP rs543852763, ClinGen allele CA371661803.

ClinVar aggregate classification (germline): Uncertain significance (1 of 4 stars; one submission).

Conditions:
Hereditary cancer-predisposing syndrome. Also called: Neoplastic Syndromes, Hereditary; Tumor predisposition; Hereditary Cancer Syndrome; Hereditary neoplastic syndrome. Identifiers: Orphanet 140162, MedGen C0027672, MeSH D009386, MONDO:0015356.

Submission:

Ambry Genetics
Classification: Uncertain significance for Hereditary cancer-predisposing syndrome. Last evaluated: 2017-07-28. Review status: criteria provided, single submitter. Criteria: Ambry Variant Classification Scheme 2023. Collection method: clinical testing. Allele origin: germline.
Comment: The p.T139P variant (also known as c.415A>C), located in coding exon 4 of the NBN gene, results from an A to C substitution at nucleotide position 415. The threonine at codon 139 is replaced by proline, an amino acid with highly similar properties. This amino acid position is not well conserved in available vertebrate species. In addition, the in silico prediction for this alteration is inconclusive. Since supporting evidence is limited at this time, the clinical significance of this alteration remains unclear.